The following is an entry in ClinVar:

ClinVar aggregate classification (germline): Benign/Likely benign. Review status: criteria provided, multiple submitters, no conflicts (2 of 4 stars). 3 submissions from 3 submitters: Benign (1); Likely benign (2). Last evaluated 2025-02-28.

Conditions:
Pheochromocytoma/paraganglioma syndrome 5. Also called: Paragangliomas 5; SDHA-Related Hereditary Paraganglioma-Pheochromocytoma Syndrome. Identifiers: Orphanet 29072, MedGen C3279992, MONDO:0013602, OMIM 614165.
Mitochondrial complex II deficiency, nuclear type 1. Also called: SUCCINATE CoQ REDUCTASE DEFICIENCY. Identifiers: Orphanet 3208, MedGen C5700310, MONDO:0100294, OMIM 252011.
Hereditary cancer-predisposing syndrome. Also called: Tumor predisposition; Neoplastic Syndromes, Hereditary; Hereditary Cancer Syndrome; Hereditary neoplastic syndrome. Identifiers: Orphanet 140162, MedGen C0027672, MeSH D009386, MONDO:0015356.

Submissions (3):

Myriad Genetics, Inc.
Classification: Benign for Pheochromocytoma/paraganglioma syndrome 5. Last evaluated: 2025-02-28. Review status: criteria provided, single submitter. Criteria: Myriad Autosomal Dominant, Autosomal Recessive and X-Linked Classification Criteria (2023). Collection method: clinical testing. Allele origin: unknown.
Comment: This variant is considered benign. This variant is a silent/synonymous amino acid change and it is not expected to impact splicing.

Labcorp Genetics (formerly Invitae), Labcorp
Classification: Likely benign for Pheochromocytoma/paraganglioma syndrome 5; Mitochondrial complex II deficiency, nuclear type 1. Last evaluated: 2022-06-30. Review status: criteria provided, single submitter. Criteria: Invitae Variant Classification Sherloc (09022015). Collection method: clinical testing. Allele origin: germline.

Ambry Genetics
Classification: Likely benign for Hereditary cancer-predisposing syndrome. Last evaluated: 2022-06-24. Review status: criteria provided, single submitter. Criteria: Ambry Variant Classification Scheme 2023. Collection method: clinical testing. Allele origin: germline.

NM_004168.4(SDHA):c.216A>G (p.Ala72=)

Gene: SDHA (succinate dehydrogenase complex flavoprotein subunit A; plus strand). Cytogenetic location: 5p15.33.
Variant type: single nucleotide variant.
Coding change: c.216A>G on transcript NM_004168.4 (MANE Select); coding-DNA position 216, A replaced by G.
Protein change: p.Ala72=; no amino-acid change (alanine 72 retained).
Molecular consequence: synonymous variant.
Genome position (GRCh38, 1-based): chr5:224,425, A>G. VCF-style: chr5-224425-A-G. GRCh37 (hg19) VCF-style: chr5-224540-A-G.
Other names: c.216A>G, p.Ala72= (NM_001294332.2, NM_001330758.2).
Identifiers: ClinVar variation 1159185 (VCV001159185.12), dbSNP rs1734887844, ClinGen allele CA442690867.